The following is an entry in ClinVar:

ClinVar aggregate classification (germline): Uncertain significance. Review status: criteria provided, multiple submitters, no conflicts (2 of 4 stars). 2 submissions from 2 submitters: Uncertain significance (2). Last evaluated 2025-03-27.

Conditions:
Inborn genetic diseases. Identifiers: MedGen C0950123, MeSH D030342.

Allele frequency attached by ClinVar (database versions not stated): ExAC 0.00001; gnomAD 0.00002; TOPMed 0.00003; 1000 Genomes Project 0.00020; 1000 Genomes Project 30x 0.00031.
gnomAD v4.1: 4 of 1,614,172 alleles (0.00025%); highest among the groups gnomAD compares: African/African-American, 0.004%; no homozygotes.

Submissions (2):

Ambry Genetics
Classification: Uncertain significance for Inborn genetic diseases. Last evaluated: 2025-03-27. Review status: criteria provided, single submitter. Criteria: Ambry Variant Classification Scheme 2023. Collection method: clinical testing. Allele origin: germline.

Labcorp Genetics (formerly Invitae), Labcorp
Classification: Uncertain significance. Last evaluated: 2022-04-07. Review status: criteria provided, single submitter. Criteria: Invitae Variant Classification Sherloc (09022015). Collection method: clinical testing. Allele origin: germline.
Comment: In summary, the available evidence is currently insufficient to determine the role of this variant in disease. Therefore, it has been classified as a Variant of Uncertain Significance. Algorithms developed to predict the effect of missense changes on protein structure and function (SIFT, PolyPhen-2, Align-GVGD) all suggest that this variant is likely to be tolerated. This variant has not been reported in the literature in individuals affected with MCM3AP-related conditions. This variant is present in population databases (rs566880432, gnomAD 0.008%). This sequence change replaces serine, which is neutral and polar, with phenylalanine, which is neutral and non-polar, at codon 245 of the MCM3AP protein (p.Ser245Phe).

NM_003906.5(MCM3AP):c.734C>T (p.Ser245Phe)

Gene: MCM3AP (minichromosome maintenance complex component 3 associated protein; minus strand). Cytogenetic location: 21q22.3.
Variant type: single nucleotide variant.
Coding change: c.734C>T on transcript NM_003906.5 (MANE Select); coding-DNA position 734, C replaced by T.
Protein change: p.Ser245Phe; replaces serine 245 with phenylalanine.
Molecular consequence: missense variant.
Genome position (GRCh38, 1-based): chr21:46,284,553, G>A on the plus strand (C>T on the coding strand, the complement: MCM3AP is on the minus strand). VCF-style: chr21-46284553-G-A. GRCh37 (hg19) VCF-style: chr21-47704467-G-A.
Other names: c.734C>T (NM_003906.3); short protein forms S245F.
Identifiers: ClinVar variation 1913393 (VCV001913393.6), dbSNP rs566880432, ClinGen allele CA10077282.